The following is an entry in ClinVar:

ClinVar aggregate classification (germline): Conflicting classifications of pathogenicity. Review status: criteria provided, conflicting classifications (1 of 4 stars). 2 submissions from 2 submitters: Uncertain significance (1); Likely benign (1). Last evaluated 2026-02-04.

Conditions:
Familial hypobetalipoproteinemia 1. Also called: Hypobetalipoproteinemia, normotriglyceridemic; Acanthocytosis with hypobetalipoproteinemia; APOB-Related Familial Hypobetalipoproteinemia. Identifiers: MedGen C4551990, MONDO:0014252, OMIM 615558.
Hypercholesterolemia, autosomal dominant, type B (FHCL2). Also called: Familial Hypercholesterolemia Type B; HYPERCHOLESTEROLEMIA, FAMILIAL, DUE TO LIGAND-DEFECTIVE APOLIPOPROTEIN B; Familial hypercholesterolemia 2; APOB-Related Familial Hypercholesterolemia, Autosomal Dominant; APOLIPOPROTEIN B-100, FAMILIAL DEFECTIVE; APOLIPOPROTEIN B-100, FAMILIAL LIGAND-DEFECTIVE. Identifiers: MedGen C1704417, MONDO:0007751, OMIM 144010.
Cardiovascular phenotype. Identifiers: MedGen CN230736.

Allele frequency attached by ClinVar (database versions not stated): ExAC 0.00001; gnomAD exomes 0.00001; ESP Exome Variant Server 0.00008.
gnomAD v4.1: 14 of 1,613,946 alleles (0.00087%); highest among the groups gnomAD compares: African/African-American, 0.0013%; no homozygotes.

Submissions (2):

Ambry Genetics
Classification: Likely benign for Cardiovascular phenotype. Last evaluated: 2026-02-04. Review status: criteria provided, single submitter. Criteria: Ambry Variant Classification Scheme 2023. Collection method: clinical testing. Allele origin: germline.

Labcorp Genetics (formerly Invitae), Labcorp
Classification: Uncertain significance for Familial hypobetalipoproteinemia 1; Hypercholesterolemia, autosomal dominant, type B. Last evaluated: 2021-08-27. Review status: criteria provided, single submitter. Criteria: Invitae Variant Classification Sherloc (09022015). Collection method: clinical testing. Allele origin: germline.
Comment: This sequence change replaces proline with serine at codon 3243 of the APOB protein (p.Pro3243Ser). The proline residue is moderately conserved and there is a moderate physicochemical difference between proline and serine. This variant is present in population databases (rs372260836, ExAC 0.002%). This missense change has been observed in individuals with clinical features of familial hypercholesterolemia and hypertriglyceridemia (PMID: 20657596; Invitae). This variant is also known as p.P3216S. Algorithms developed to predict the effect of missense changes on protein structure and function output the following: SIFT: "Tolerated"; PolyPhen-2: "Benign"; Align-GVGD: "Class C0". The serine amino acid residue is found in multiple mammalian species, which suggests that this missense change does not adversely affect protein function. In summary, the available evidence is currently insufficient to determine the role of this variant in disease. Therefore, it has been classified as a Variant of Uncertain Significance.

Literature cited by the submitters: PubMed 20657596 (cited by Ambry Genetics and Labcorp Genetics (formerly Invitae), Labcorp); PubMed 29572815 (cited by Ambry Genetics); PubMed 33303402 (cited by Ambry Genetics).

NM_000384.3(APOB):c.9727C>T (p.Pro3243Ser)

Gene: APOB (apolipoprotein B; minus strand). Cytogenetic location: 2p24.1.
Variant type: single nucleotide variant.
Coding change: c.9727C>T on transcript NM_000384.3 (MANE Select); coding-DNA position 9727, C replaced by T.
Protein change: p.Pro3243Ser; replaces proline 3243 with serine.
Molecular consequence: missense variant.
Genome position (GRCh38, 1-based): chr2:21,007,141, G>A on the plus strand (C>T on the coding strand, the complement: APOB is on the minus strand). VCF-style: chr2-21007141-G-A. GRCh37 (hg19) VCF-style: chr2-21230013-G-A.
Other names: short protein forms P3243S.
Identifiers: ClinVar variation 948466 (VCV000948466.9), dbSNP rs372260836, ClinGen allele CA066809.
Genomic context (GRCh38, chr2:21,007,141, plus strand): 5'-ATGGAGACACTTCAACATTGACAACTGGAACAGTGTATCCAGGAATTTGAAAGGTCCTGG[G>A]GAGCTCGTCGTGAGATTTTTCAGCTTTGTACTTATCAAACTTAATTTTTGTTTCATTATA-3'
Protein context (NP_000375.3, residues 3233-3253): YKAEKSHDEL[Pro3243Ser]RTFQIPGYTV